The following is an entry in ClinVar:

ClinVar aggregate classification (germline): Pathogenic. Review status: criteria provided, multiple submitters, no conflicts (2 of 4 stars). 2 submissions from 2 submitters: Pathogenic (2). Last evaluated 2025-09-10.

Conditions:
Cornelia de Lange syndrome 5 (CDLS5). Also called: HDAC8-Related Cornelia de Lange Syndrome. Identifiers: Orphanet 199, MedGen C3550903, MONDO:0010471, OMIM 300882.

Submissions (2):

Genomic Medicine Center of Excellence, King Faisal Specialist Hospital and Research Centre
Classification: Pathogenic for Cornelia de Lange syndrome 5. Last evaluated: 2025-09-10. Review status: criteria provided, single submitter. Criteria: ACMG Guidelines, 2015. Collection method: clinical testing. Allele origin: germline.

GeneDx
Classification: Pathogenic. Last evaluated: 2015-07-16. Review status: criteria provided, single submitter. Criteria: GeneDx Variant Classification (06012015). Collection method: clinical testing. Allele origin: germline. Affected: yes.
Comment: The c.165-2A>G variant in the HDAC8 gene has not been reported previously as a pathogenic variant nor as a benign polymorphism, to our knowledge. This splice site variant destroys the canonicalsplice acceptor site in intron 2. It is predicted to cause abnormal gene splicing, either leading to anabnormal message that is subject to nonsense-mediated mRNA decay, or to an abnormal protein product ifthe message is used for protein translation. The c.165-2A>G variant was not observed in approximately6500 individuals of European and African American ancestry in the NHLBI Exome Sequencing Project,indicating it is not a common variant in these populations. We interpret c.165-2A>G as a pathogenic variant.

NM_018486.3(HDAC8):c.165-2A>G

Gene: HDAC8 (histone deacetylase 8; minus strand). Cytogenetic location: Xq13.1.
Variant type: single nucleotide variant.
Coding change: c.165-2A>G on transcript NM_018486.3 (MANE Select); the canonical splice acceptor site of the intron before coding-DNA position 165, A replaced by G.
Molecular consequence: splice acceptor variant. On other transcripts: intron variant (3).
Genome position (GRCh38, 1-based): chrX:72,568,886, T>C on the plus strand (A>G on the coding strand, the complement: HDAC8 is on the minus strand). VCF-style: chrX-72568886-T-C. GRCh37 (hg19) VCF-style: chrX-71788736-T-C.
Other names: c.164+3171A>G (NM_001166418.2, NM_001410728.1, NM_001166448.2); c.165-2A>G (NM_001410727.1, NM_001410725.1, NM_001410729.1 and 4 more transcripts).
Identifiers: ClinVar variation 419411 (VCV000419411.3), dbSNP rs1064793856, ClinGen allele CA16621498.
Genomic context (GRCh38, chrX:72,568,886, plus strand): 5'-AAGCATCAGTGTGGAAGGTGGCCATCTCCTCCATGGAGGCCACTTTAGGCTTAACTATCC[T>C]AATAATAACAGAGAGAACAAAGAGAGGTCAGTGAGTCAGACCCAGCGTATGCCAGAAGCT-3'